The following is an entry in ClinVar:

ClinVar aggregate classification (germline): Conflicting classifications of pathogenicity. Review status: criteria provided, conflicting classifications (1 of 4 stars). 9 submissions from 9 submitters: Uncertain significance (8); Likely benign (1). Last evaluated 2025-12-16.

Conditions:
Classic or attenuated familial adenomatous polyposis. Identifiers: MedGen CN372698, MONDO:0021057.
Hereditary cancer-predisposing syndrome. Also called: Tumor predisposition; Hereditary neoplastic syndrome; Hereditary Cancer Syndrome; Neoplastic Syndromes, Hereditary. Identifiers: Orphanet 140162, MedGen C0027672, MeSH D009386, MONDO:0015356.
Familial adenomatous polyposis 1 (FAP1). Also called: POLYPOSIS, ADENOMATOUS INTESTINAL; FAMILIAL ADENOMATOUS POLYPOSIS 1, ATTENUATED. Identifiers: MedGen C2713442, MONDO:0021056, OMIM 175100. Disease mechanism: loss of function.

Allele frequency attached by ClinVar (database versions not stated): gnomAD exomes 0.00001; TOPMed 0.00001; ExAC 0.00002; gnomAD 0.00002.
gnomAD v4.1: 35 of 1,613,798 alleles (0.0022%); highest among the groups gnomAD compares: South Asian, 0.0044%; no homozygotes.

Submissions (9):

Color Diagnostics, LLC DBA Color Health
Classification: Uncertain significance for Hereditary cancer-predisposing syndrome. Last evaluated: 2025-12-16. Review status: criteria provided, single submitter. Criteria: ACMG Guidelines, 2015. Collection method: clinical testing. Allele origin: germline.
Comment: This missense variant replaces arginine with histidine at codon 2721 of the APC protein. Computational prediction suggests that this variant may not impact protein structure and function. To our knowledge, functional studies have not been reported for this variant. This variant has not been reported in individuals affected with APC-related disorders in the literature. This variant has been identified in 35/1613798 chromosomes in the general population by the Genome Aggregation Database (gnomAD). The available evidence is insufficient to determine the role of this variant in disease conclusively. Therefore, this variant is classified as a Variant of Uncertain Significance.

Labcorp Genetics (formerly Invitae), Labcorp
Classification: Uncertain significance for Familial adenomatous polyposis 1. Last evaluated: 2025-12-09. Review status: criteria provided, single submitter. Criteria: Invitae Variant Classification Sherloc (09022015). Collection method: clinical testing. Allele origin: germline.
Comment: This sequence change replaces arginine, which is basic and polar, with histidine, which is basic and polar, at codon 2721 of the APC protein (p.Arg2721His). This variant is present in population databases (rs587780606, gnomAD 0.006%). This variant has not been reported in the literature in individuals affected with APC-related conditions. ClinVar contains an entry for this variant (Variation ID: 135723). Invitae Evidence Modeling of protein sequence and biophysical properties (such as structural, functional, and spatial information, amino acid conservation, physicochemical variation, residue mobility, and thermodynamic stability) indicates that this missense variant is not expected to disrupt APC protein function with a negative predictive value of 95%. In summary, the available evidence is currently insufficient to determine the role of this variant in disease. Therefore, it has been classified as a Variant of Uncertain Significance.

CeGaT Center for Human Genetics Tuebingen
Classification: Uncertain significance. Last evaluated: 2025-10-01. Review status: criteria provided, single submitter. Criteria: CeGaT Center For Human Genetics Tuebingen Variant Classification Criteria Version 2. Collection method: clinical testing. Allele origin: germline. Affected: yes. Observed: 1 variant allele.

GeneDx
Classification: Uncertain significance. Last evaluated: 2025-03-19. Review status: criteria provided, single submitter. Criteria: GeneDx Variant Classification Process June 2021. Collection method: clinical testing. Allele origin: germline. Affected: yes.
Comment: Not observed at significant frequency in large population cohorts (gnomAD); In silico analysis indicates that this missense variant does not alter protein structure/function; Observed in patients with colorectal or renal cancer (PMID: 28944238, 29684080); This variant is associated with the following publications: (PMID: 25545608, 27499925, 29684080, 28944238, 18199528)

Quest Diagnostics Nichols Institute San Juan Capistrano
Classification: Uncertain significance. Last evaluated: 2024-09-17. Review status: criteria provided, single submitter. Criteria: Quest Diagnostics criteria. Collection method: clinical testing. Allele origin: unknown.
Comment: The APC c.8162G>A (p.Arg2721His) variant has been reported in the published literature in an individual with Cowden/Cowden-like (CS/CS-like) and Bannayan-Riley-Ruvalcaba syndrome (PMID: 29684080 (2018)). The frequency of this variant in the general population, 0.000012 (3/251312 chromosomes (Genome Aggregation Database)), is uninformative in the assessment of its pathogenicity. Analysis of this variant using bioinformatics tools for the prediction of the effect of amino acid changes on protein structure and function yielded conflicting predictions that this variant is deleterious or benign. Based on the available information, we are unable to determine the clinical significance of this variant.

All of Us Research Program, National Institutes of Health
Classification: Uncertain significance for Classic or attenuated familial adenomatous polyposis. Last evaluated: 2024-03-05. Review status: criteria provided, single submitter. Criteria: ACMG Guidelines, 2015. Collection method: clinical testing. Allele origin: germline. Inheritance: Autosomal dominant inheritance. Observed: 3 variant alleles, 3 heterozygotes.
Comment: This missense variant replaces arginine with histidine at codon 2721 of the APC protein. Computational prediction suggests that this variant may not impact protein structure and function (internally defined REVEL score threshold <= 0.5, PMID: 27666373). To our knowledge, functional studies have not been reported for this variant. This variant has been reported as germline in an individual affected with uterine carcinosarcoma (PMID: 29684080). This variant has been identified in 3/251312 chromosomes in the general population by the Genome Aggregation Database (gnomAD). The available evidence is insufficient to determine the role of this variant in disease conclusively. Therefore, this variant is classified as a Variant of Uncertain Significance.

This study involves interpretation of variants in research participants for the purpose of population health screening. Participant phenotype was not available at the time of variant classification. Additional details can be found in publication PMID: 35346344, PMCID: PMC8962531

Baylor Genetics
Classification: Uncertain significance for Familial adenomatous polyposis 1. Last evaluated: 2024-02-28. Review status: criteria provided, single submitter. Criteria: ACMG Guidelines, 2015. Collection method: clinical testing. Allele origin: unknown.

Ambry Genetics
Classification: Likely benign for Hereditary cancer-predisposing syndrome. Last evaluated: 2022-11-28. Review status: criteria provided, single submitter. Criteria: Ambry Variant Classification Scheme 2023. Collection method: clinical testing. Allele origin: germline.

Revvity Omics, Revvity
Classification: Uncertain significance. Last evaluated: 2019-09-23. Review status: criteria provided, single submitter. Criteria: ACMG Guidelines, 2015. Collection method: clinical testing. Allele origin: germline.

Literature cited by the submitters: PubMed 29684080 (cited by 3 submitters).

NM_000038.6(APC):c.8162G>A (p.Arg2721His)

Gene: APC (APC regulator of Wnt signaling pathway; plus strand). Cytogenetic location: 5q22.2.
Variant type: single nucleotide variant.
Coding change: c.8162G>A on transcript NM_000038.6 (MANE Select); coding-DNA position 8162, G replaced by A.
Protein change: p.Arg2721His; replaces arginine 2721 with histidine.
Molecular consequence: missense variant.
Genome position (GRCh38, 1-based): chr5:112,843,756, G>A. VCF-style: chr5-112843756-G-A. GRCh37 (hg19) VCF-style: chr5-112179453-G-A.
Other names: c.8162G>A, p.Arg2721His (NM_001127510.3, NM_001354895.2); c.8108G>A, p.Arg2703His (NM_001127511.3); c.8216G>A, p.Arg2739His (NM_001354896.2); c.8192G>A, p.Arg2731His (NM_001354897.2); c.8087G>A, p.Arg2696His (NM_001354898.2); c.8078G>A, p.Arg2693His (NM_001354899.2); c.8039G>A, p.Arg2680His (NM_001354900.2); c.7985G>A, p.Arg2662His (NM_001354901.2); and 5 more; short protein forms R2721H, R2703H, R2561H, R2620H, R2680H, R2438H, R2662H, R2630H.
Identifiers: ClinVar variation 135723 (VCV000135723.41), dbSNP rs587780606, ClinGen allele CA014419.
Genomic context (GRCh38, chr5:112,843,756, plus strand): 5'-AGGCAAAACAAAATGTGGGTAATGGCAGTGTTCCCATGCGTACCGTGGGTTTGGAAAATC[G>A]CCTGAACTCCTTTATTCAGGTGGATGCCCCTGACCAAAAAGGAACTGAGATAAAACCAGG-3'
Protein context (NP_000029.2, residues 2711-2731): VPMRTVGLEN[Arg2721His]LNSFIQVDAP